The following is an entry in ClinVar:

NM_006118.4(HAX1):c.658G>C (p.Asp220His)

Gene: HAX1 (HCLS1 associated protein X-1; plus strand). Cytogenetic location: 1q21.3.
Variant type: single nucleotide variant.
Coding change: c.658G>C on transcript NM_006118.4 (MANE Select); coding-DNA position 658, G replaced by C.
Protein change: p.Asp220His; replaces aspartic acid 220 with histidine.
Molecular consequence: missense variant.
Genome position (GRCh38, 1-based): chr1:154,275,255, G>C. VCF-style: chr1-154275255-G-C. GRCh37 (hg19) VCF-style: chr1-154247731-G-C.
Other names: c.514G>C, p.Asp172His (NM_001018837.2); short protein forms D172H, D220H.
Identifiers: ClinVar variation 1718207 (VCV001718207.5), dbSNP rs779277098, ClinGen allele CA1127418.

ClinVar aggregate classification (germline): Uncertain significance (1 of 4 stars; one submission).

Conditions:
Kostmann syndrome (SCN3). Also called: KOSTMANN DISEASE; Autosomal recessive severe congenital neutropenia type 3. Identifiers: Orphanet 99749, MedGen C5235141, MONDO:0012548, OMIM 610738.

Allele frequency attached by ClinVar (database versions not stated): TOPMed below 0.00001; ExAC 0.00001; gnomAD 0.00001.
gnomAD v4.1: 1 of 1,607,284 alleles (0.000062%); highest among the groups gnomAD compares: African/African-American, 0.0013%; no homozygotes.

Submission:

Labcorp Genetics (formerly Invitae), Labcorp
Classification: Uncertain significance for Kostmann syndrome. Last evaluated: 2023-08-04. Review status: criteria provided, single submitter. Criteria: Invitae Variant Classification Sherloc (09022015). Collection method: clinical testing. Allele origin: germline.
Comment: In summary, the available evidence is currently insufficient to determine the role of this variant in disease. Therefore, it has been classified as a Variant of Uncertain Significance. Advanced modeling of protein sequence and biophysical properties (such as structural, functional, and spatial information, amino acid conservation, physicochemical variation, residue mobility, and thermodynamic stability) performed at Invitae indicates that this missense variant is expected to disrupt HAX1 protein function. ClinVar contains an entry for this variant (Variation ID: 1718207). This variant has not been reported in the literature in individuals affected with HAX1-related conditions. This variant is present in population databases (rs779277098, gnomAD 0.007%). This sequence change replaces aspartic acid, which is acidic and polar, with histidine, which is basic and polar, at codon 220 of the HAX1 protein (p.Asp220His).